The following is an entry in ClinVar:

ClinVar aggregate classification (germline): Uncertain significance (1 of 4 stars; one submission).

Conditions:
Inborn genetic diseases. Identifiers: MedGen C0950123, MeSH D030342.

Submission:

Ambry Genetics
Classification: Uncertain significance for Inborn genetic diseases. Last evaluated: 2026-01-20. Review status: criteria provided, single submitter. Criteria: Ambry Variant Classification Scheme 2023. Collection method: clinical testing. Allele origin: germline.
Comment: The p.V35L variant (also known as c.103G>C), located in coding exon 1 of the SH2B3 gene, results from a G to C substitution at nucleotide position 103. The valine at codon 35 is replaced by leucine, an amino acid with highly similar properties. This amino acid position is conserved. In addition, this alteration is predicted to be tolerated by in silico analysis. Based on the available evidence, the clinical significance of this variant remains unclear.

NM_005475.3(SH2B3):c.103G>C (p.Val35Leu)

Gene: SH2B3 (SH2B adaptor protein 3; plus strand). Cytogenetic location: 12q24.12.
Variant type: single nucleotide variant.
Coding change: c.103G>C on transcript NM_005475.3 (MANE Select); coding-DNA position 103, G replaced by C.
Protein change: p.Val35Leu; replaces valine 35 with leucine.
Molecular consequence: missense variant.
Genome position (GRCh38, 1-based): chr12:111,418,248, G>C. VCF-style: chr12-111418248-G-C. GRCh37 (hg19) VCF-style: chr12-111856052-G-C.
Other names: short protein forms V35L.
Identifiers: ClinVar variation 4824349 (VCV004824349.1).